The following is an entry in ClinVar:

ClinVar aggregate classification (germline): Uncertain significance. Review status: criteria provided, multiple submitters, no conflicts (2 of 4 stars). 2 submissions from 2 submitters: Uncertain significance (2). Last evaluated 2025-05-30.

Allele frequency attached by ClinVar (database versions not stated): TOPMed below 0.00001; gnomAD 0.00001; gnomAD exomes 0.00001 and 0.00002; ExAC 0.00002.
gnomAD v4.1: 12 of 1,613,534 alleles (0.00074%); highest among the groups gnomAD compares: Non-Finnish European, 0.001%; no homozygotes.

Submissions (2):

Ambry Genetics
Classification: Uncertain significance. Last evaluated: 2025-05-30. Review status: criteria provided, single submitter. Criteria: Ambry Variant Classification Scheme 2023. Collection method: clinical testing. Allele origin: germline.

Labcorp Genetics (formerly Invitae), Labcorp
Classification: Uncertain significance. Last evaluated: 2022-03-09. Review status: criteria provided, single submitter. Criteria: Invitae Variant Classification Sherloc (09022015). Collection method: clinical testing. Allele origin: germline.
Comment: In summary, the available evidence is currently insufficient to determine the role of this variant in disease. Therefore, it has been classified as a Variant of Uncertain Significance. Algorithms developed to predict the effect of missense changes on protein structure and function (SIFT, PolyPhen-2, Align-GVGD) all suggest that this variant is likely to be tolerated. This variant has not been reported in the literature in individuals affected with ROM1-related conditions. This variant is present in population databases (rs749095787, gnomAD 0.004%). This sequence change replaces leucine, which is neutral and non-polar, with phenylalanine, which is neutral and non-polar, at codon 36 of the ROM1 protein (p.Leu36Phe).

NM_000327.4(ROM1):c.106C>T (p.Leu36Phe)

Gene: ROM1 (retinal outer segment membrane protein 1; plus strand). Cytogenetic location: 11q12.3.
Variant type: single nucleotide variant.
Coding change: c.106C>T on transcript NM_000327.4 (MANE Select); coding-DNA position 106, C replaced by T.
Protein change: p.Leu36Phe; replaces leucine 36 with phenylalanine.
Molecular consequence: missense variant.
Genome position (GRCh38, 1-based): chr11:62,613,387, C>T. VCF-style: chr11-62613387-C-T. GRCh37 (hg19) VCF-style: chr11-62380859-C-T.
Other names: c.106C>T (NM_000327.3); short protein forms L36F.
Identifiers: ClinVar variation 1478132 (VCV001478132.7), dbSNP rs749095787, ClinGen allele CA6049649.